The following is an entry in ClinVar:

ClinVar aggregate classification (germline): Benign/Likely benign. Review status: criteria provided, multiple submitters, no conflicts (2 of 4 stars). 8 submissions from 7 submitters: Benign (7); Likely benign (1). Last evaluated 2026-09-01.

Conditions:
Ectopia lentis 2, isolated, autosomal recessive (ECTOL2). Identifiers: Orphanet 1885, MedGen C3541474, MONDO:0009152, OMIM 225100.
Ectopia lentis et pupillae. Also called: ECTOPIA LENTIS WITH ECTOPIA OF PUPIL. Identifiers: Orphanet 1885, MedGen C1644196, MONDO:0009153, OMIM 225200.

Allele frequency attached by ClinVar (database versions not stated): 1000 Genomes Project 30x 0.00687; 1000 Genomes Project 0.00719; TOPMed 0.01707; gnomAD 0.01874; ESP Exome Variant Server 0.01945.

Submissions (8):

CeGaT Center for Human Genetics Tuebingen
Classification: Benign. Last evaluated: 2026-09-01. Review status: criteria provided, single submitter. Criteria: CeGaT Center For Human Genetics Tuebingen Variant Classification Criteria Version 2. Collection method: clinical testing. Allele origin: germline. Affected: yes. Observed: 11 variant alleles.
Comment: ADAMTSL4: BP4, BS1, BS2

Labcorp Genetics (formerly Invitae), Labcorp
Classification: Benign. Last evaluated: 2026-02-04. Review status: criteria provided, single submitter. Criteria: Invitae Variant Classification Sherloc (09022015). Collection method: clinical testing. Allele origin: germline.

Blueprint Genetics
Classification: Likely benign. Last evaluated: 2024-11-26. Review status: criteria provided, single submitter. Criteria: ACMG Guidelines, 2015. Collection method: clinical testing. Allele origin: germline.

Genome-Nilou Lab
Classification: Benign for Ectopia lentis et pupillae. Last evaluated: 2023-04-11. Review status: criteria provided, single submitter. Criteria: ACMG Guidelines, 2015. Collection method: clinical testing. Allele origin: germline. Affected: no.

Genome-Nilou Lab
Classification: Benign for Ectopia lentis 2, isolated, autosomal recessive. Last evaluated: 2023-04-11. Review status: criteria provided, single submitter. Criteria: ACMG Guidelines, 2015. Collection method: clinical testing. Allele origin: germline. Affected: no.

GeneDx
Classification: Benign. Last evaluated: 2020-02-12. Review status: criteria provided, single submitter. Criteria: GeneDx Variant Classification Process June 2021. Collection method: clinical testing. Allele origin: germline. Affected: yes.
Comment: This variant is associated with the following publications: (PMID: 28394649)

Illumina Laboratory Services, Illumina
Classification: Benign for Ectopia lentis 2, isolated, autosomal recessive. Last evaluated: 2018-01-13. Review status: criteria provided, single submitter. Criteria: ICSL Variant Classification Criteria 13 December 2019. Collection method: clinical testing. Allele origin: germline.
Comment: This variant was observed in the ICSL laboratory as part of a predisposition screen in an ostensibly healthy population. It had not been previously curated by ICSL or reported in the Human Gene Mutation Database (HGMD: prior to June 1st, 2018), and was therefore a candidate for classification through an automated scoring system. Utilizing variant allele frequency, disease prevalence and penetrance estimates, and inheritance mode, an automated score was calculated to assess if this variant is too frequent to cause the disease. Based on the score and internal cut-off values, a variant classified as benign is not then subjected to further curation. The score for this variant resulted in a classification of benign for this disease.

Breakthrough Genomics
Classification: Benign. Review status: criteria provided, single submitter. Criteria: ACMG Guidelines, 2015. Collection method: not provided. Allele origin: germline. Inheritance: Autosomal recessive inheritance. Affected: yes.

NM_019032.6(ADAMTSL4):c.2305C>G (p.Leu769Val)

Gene: ADAMTSL4 (ADAMTS like 4; plus strand). Cytogenetic location: 1q21.2.
Variant type: single nucleotide variant.
Coding change: c.2305C>G on transcript NM_019032.6 (MANE Select); coding-DNA position 2305, C replaced by G.
Protein change: p.Leu769Val; replaces leucine 769 with valine.
Molecular consequence: missense variant.
Genome position (GRCh38, 1-based): chr1:150,558,072, C>G. VCF-style: chr1-150558072-C-G. GRCh37 (hg19) VCF-style: chr1-150530548-C-G.
Other names: c.2188C>G, p.Leu730Val (NM_001288607.2); c.2374C>G, p.Leu792Val (NM_001288608.2); c.2305C>G, p.Leu769Val (NM_001378596.1, NM_025008.5); short protein forms L769V, L730V, L792V.
Identifiers: ClinVar variation 292551 (VCV000292551.39), dbSNP rs56228576, ClinGen allele CA1078618.